The following is an entry in ClinVar:

NM_001130987.2(DYSF):c.5149T>C (p.Cys1717Arg)

Gene: DYSF (dysferlin; plus strand). Cytogenetic location: 2p13.2.
Variant type: single nucleotide variant.
Coding change: c.5149T>C on transcript NM_001130987.2 (MANE Select); coding-DNA position 5149, T replaced by C.
Protein change: p.Cys1717Arg; replaces cysteine 1717 with arginine.
Molecular consequence: missense variant.
Genome position (GRCh38, 1-based): chr2:71,664,413, T>C. VCF-style: chr2-71664413-T-C. GRCh37 (hg19) VCF-style: chr2-71891543-T-C.
Other names: NM_001130987.2(DYSF):c.5149T>C; p.Cys1717Arg; c.5035T>C, p.Cys1679Arg (NM_001130455.2); c.4990T>C, p.Cys1664Arg (NM_001130976.2); c.5053T>C, p.Cys1685Arg (NM_001130977.2); c.5095T>C, p.Cys1699Arg (NM_001130978.2); c.5125T>C, p.Cys1709Arg (NM_001130979.2); c.5083T>C, p.Cys1695Arg (NM_001130980.2); and 8 more; short protein forms C1664R, C1665R, C1678R, C1679R, C1685R, C1686R, C1695R, C1696R.
Identifiers: ClinVar variation 2674972 (VCV002674972.7), dbSNP rs766091136, ClinGen allele CA347220599.

ClinVar aggregate classification (germline): Pathogenic. Review status: reviewed by expert panel (3 of 4 stars). 4 submissions from 4 submitters: Pathogenic (1). 3 of the submissions do not count toward it. Last evaluated 2026-01-23.

Conditions:
Neuromuscular disease caused by qualitative or quantitative defects of dysferlin. Also called: Dysferlinopathy; Qualitative or quantitative defects of dysferlin. Identifiers: Orphanet 207073, MedGen C2931687, MONDO:0016145.
Autosomal recessive limb-girdle muscular dystrophy. Identifiers: Orphanet 102015, MedGen C2931907, MONDO:0015152.
Miyoshi muscular dystrophy 1 (MMD1). Identifiers: Orphanet 45448, MedGen C4551973, MONDO:0024545, OMIM 254130.
Autosomal recessive limb-girdle muscular dystrophy type 2B (LGMDR2). Also called: MUSCULAR DYSTROPHY, LIMB-GIRDLE, TYPE 3; Limb-girdle muscular dystrophy, type 2B; Limb-Girdle Muscular Dystrophy Type 2B (LGMD2B); MUSCULAR DYSTROPHY, LIMB-GIRDLE, AUTOSOMAL RECESSIVE 2. Identifiers: Orphanet 268, MedGen C1850889, MONDO:0009676, OMIM 253601.

Allele frequency attached by ClinVar (database versions not stated): gnomAD exomes below 0.00001.
gnomAD v4.1: 1 of 1,614,220 alleles (0.000062%); highest among the groups gnomAD compares: South Asian, 0.0011%; no homozygotes.

Submissions (4):

ClinGen Limb Girdle Muscular Dystrophy Variant Curation Expert Panel, ClinGen
Classification: Pathogenic for Autosomal recessive limb-girdle muscular dystrophy. Last evaluated: 2026-01-23. Review status: reviewed by expert panel. Criteria: ClinGen LGMD VCEP ACMG Specifications DYSF V2.0.0. Collection method: curation. Allele origin: germline. Inheritance: Autosomal recessive inheritance.
Comment: The NM_003494.4: c.5032T>C variant in DYSF, which is also known as NM_001130987.2: c.5149T>C p.(Cys1717Arg), is a missense variant predicted to cause substitution of cysteine to arginine at amino acid 1678, p.(Cys1678Arg). This individual also had absent dysferlin expression in muscle, which is highly specific for DYSF-related LGMD (PMID: 25591676; PP4_Strong). The highest population frequency of this variant in gnomAD v4.1.0 is 0.00001098 in the South Asian population (1/91088 chromosomes), which is less than the ClinGen LGMD VCEP threshold (≤0.0001) (PM2_Supporting). Immunofluorescence and 2-A assays of dysferlin membrane localization in HEK293T cells showed the Cys1678Arg protein did not reach the cell membrane, indicating an impact on protein function (PMID: 35028538; PS3_Moderate). The computational predictor REVEL gives a score of 0.95, which is above the LGMD VCEP threshold of ≥0.70 (PP3). In addition, two other missense variants at the same codon, NM_003494.4: c.5033G>A p.(Cys1678Tyr) and c.5033G>C p.(Cys1678Ser), have been classified as at least likely pathogenic by the ClinGen LGMD VCEP (PM5). In summary, this variant is classified as Pathogenic for autosomal recessive limb girdle muscular dystrophy based on the ACMG/AMP criteria applied, as specified by the ClinGen LGMD VCEP (specifications v2.0.0; 01/23/2026): PP4_Strong, PS3_Moderate, PM2_Supporting, PM5, PP3.

Natera, Inc.
Classification: Likely pathogenic for Limb-girdle muscular dystrophy type 2B. Last evaluated: 2025-03-23. Review status: criteria provided, single submitter. Criteria: Natera Variant Classification Schema (03/2026). Collection method: clinical testing. Allele origin: germline. Not counted in ClinVar's aggregate classification.
Comment: The c.5032T>C variant in DYSF is a missense variant predicted to cause substitution of cysteine to arginine at amino acid 1678. This variant is rare in the general population with a frequency below the threshold expected for the associated phenotype(s). This variant has been observed in one or more individuals affected with the associated recessive disease, as either homozygous or compound heterozygous with a second variant (PMID: 36319958). A different variant at the same position has been determined to be Pathogenic or Likely Pathogenic. Computational prediction algorithms indicate this variant is likely to affect gene or protein function. Given the available evidence, this variant is classified as Likely Pathogenic.

Labcorp Genetics (formerly Invitae), Labcorp
Classification: Pathogenic for Neuromuscular disease caused by qualitative or quantitative defects of dysferlin. Last evaluated: 2023-11-30. Review status: criteria provided, single submitter. Criteria: Invitae Variant Classification Sherloc (09022015). Collection method: clinical testing. Allele origin: germline. Not counted in ClinVar's aggregate classification.
Comment: This sequence change replaces cysteine, which is neutral and slightly polar, with arginine, which is basic and polar, at codon 1678 of the DYSF protein (p.Cys1678Arg). This variant is not present in population databases (gnomAD no frequency). This missense change has been observed in individual(s) with clinical features of DYSF-related conditions (PMID: 25591676, 34559919). Advanced modeling of protein sequence and biophysical properties (such as structural, functional, and spatial information, amino acid conservation, physicochemical variation, residue mobility, and thermodynamic stability) performed at Invitae indicates that this missense variant is expected to disrupt DYSF protein function with a positive predictive value of 95%. This variant disrupts the p.Cys1678 amino acid residue in DYSF. Other variant(s) that disrupt this residue have been determined to be pathogenic (PMID: 16100712). This suggests that this residue is clinically significant, and that variants that disrupt this residue are likely to be disease-causing. For these reasons, this variant has been classified as Pathogenic.

Baylor Genetics
Classification: Likely pathogenic for Miyoshi muscular dystrophy 1. Last evaluated: 2023-08-10. Review status: criteria provided, single submitter. Criteria: ACMG Guidelines, 2015. Collection method: clinical testing. Allele origin: unknown. Not counted in ClinVar's aggregate classification.

Literature cited by the submitters: PubMed 36319958 (cited by Natera, Inc.); PubMed 25591676 (cited by Labcorp Genetics (formerly Invitae), Labcorp); PubMed 34559919 (cited by Labcorp Genetics (formerly Invitae), Labcorp); PubMed 16100712 (cited by Labcorp Genetics (formerly Invitae), Labcorp).